The following is an entry in ClinVar:

NM_004738.5(VAPB):c.573+41G>A

Gene: VAPB (VAMP associated protein B and C; plus strand). Cytogenetic location: 20q13.32.
Variant type: single nucleotide variant.
Coding change: c.573+41G>A on transcript NM_004738.5 (MANE Select); 41 bases into the intron after coding-DNA position 573, G replaced by A.
Molecular consequence: intron variant.
Genome position (GRCh38, 1-based): chr20:58,441,124, G>A. VCF-style: chr20-58441124-G-A. GRCh37 (hg19) VCF-style: chr20-57016180-G-A.
Other names: c.212-2953G>A (NM_001195677.2).
Identifiers: ClinVar variation 1706742 (VCV001706742.2), dbSNP rs2234490, ClinGen allele CA9924291.
Genomic context (GRCh38, chr20:58,441,124, plus strand): 5'-AGGAGAACAAGCAGTTCAAGGTAATAGTTTATTTTCTGGTAATCTACAGAAAACAAGGGC[G>A]TTTTCACTAGCTTCTTGGGTGGGGAAGTTGATGAGCCAGTGAATATATAGATTTCTTTTT-3'

ClinVar aggregate classification (germline): Likely benign (1 of 4 stars; one submission).

Allele frequency attached by ClinVar (database versions not stated): ESP Exome Variant Server 0.00008; TOPMed 0.00179; gnomAD 0.00200; ExAC 0.00380; 1000 Genomes Project 30x 0.00812; 1000 Genomes Project 0.00899.
gnomAD v4.1: 2,543 of 1,602,608 alleles (0.16%); highest among the groups gnomAD compares: East Asian, 4.3%; 42 homozygotes.

Submission:

GeneDx
Classification: Likely benign. Last evaluated: 2021-06-18. Review status: criteria provided, single submitter. Criteria: GeneDx Variant Classification Process June 2021. Collection method: clinical testing. Allele origin: germline. Affected: yes.
Comment: See Variant Classification Assertion Criteria.